The following is an entry in ClinVar:

NM_000360.4(TH):c.1035_1036dup (p.Gln346fs)

Gene: TH (tyrosine hydroxylase; minus strand). Cytogenetic location: 11p15.5.
Variant type: Microsatellite.
Coding change: c.1035_1036dup on transcript NM_000360.4 (MANE Select); coding-DNA positions 1035 to 1036, 2 bases duplicated (GC; older notation c.1035_1036dupGC).
Protein change: p.Gln346fs; shifts the reading frame from glutamine 346.
Molecular consequence: frameshift variant.
Genome position (GRCh38, 1-based): chr11:2,166,491-2,166,492, GC duplicated on the plus strand (GC on the coding strand, the reverse complement: TH is on the minus strand); duplicating any 2 consecutive bases within chr11:2,166,491-2,166,495 gives the same sequence; the c. name uses the placement nearest the transcript's 3' end. VCF-style (leftmost placement, unchanged base first): chr11-2166490-T-TGC. GRCh37 (hg19) VCF-style: chr11-2187720-T-TGC.
Other names: c.1047_1048dup, p.Gln350fs (NM_001440535.1); c.765_766dup, p.Gln256fs (NM_001440536.1); c.753_754dup, p.Gln252fs (NM_001440537.1); c.1128_1129dup, p.Gln377fs (NM_199292.3); c.1116_1117dup, p.Gln373fs (NM_199293.3); short protein forms Q252fs, Q256fs, Q346fs, Q350fs, Q373fs, Q377fs.
Identifiers: ClinVar variation 5013121 (VCV005013121.1).

ClinVar aggregate classification (germline): Pathogenic (1 of 4 stars; one submission).

Conditions:
TH-deficient dopa-responsive dystonia. Also called: Segawa syndrome, autosomal recessive; Tyrosine Hydroxylase-Deficient Dopa-Responsive Dystonia; DYT-TH. Identifiers: Orphanet 101150, MedGen C2673535, MONDO:0011551, OMIM 605407.

Submission:

Myriad Genetics, Inc.
Classification: Pathogenic for TH-deficient dopa-responsive dystonia. Last evaluated: 2024-05-26. Review status: criteria provided, single submitter. Criteria: Myriad Autosomal Dominant, Autosomal Recessive and X-Linked Classification Criteria (2023). Collection method: clinical testing. Allele origin: unknown.
Comment: NM_199292.2(TH):c.1128_1129dupGC(Q377Rfs*41) is expected to be pathogenic in the context of tyrosine hydroxylase deficiency. This variant is predicted to lead to an abnormal or absent protein product due to the creation of a premature termination codon in TH, a gene where loss-of-function variants are known to be pathogenic. Please note: this variant was assessed in the context of healthy population screening.